The following is an entry in ClinVar:

NM_001370259.2(MEN1):c.416A>G (p.His139Arg)

Gene: MEN1 (menin 1; minus strand). Cytogenetic location: 11q13.1.
Variant type: single nucleotide variant.
Coding change: c.416A>G on transcript NM_001370259.2 (MANE Select); coding-DNA position 416, A replaced by G.
Protein change: p.His139Arg; replaces histidine 139 with arginine.
Molecular consequence: missense variant.
Genome position (GRCh38, 1-based): chr11:64,809,694, T>C on the plus strand (A>G on the coding strand, the complement: MEN1 is on the minus strand). VCF-style: chr11-64809694-T-C. GRCh37 (hg19) VCF-style: chr11-64577166-T-C.
Other names: c.416A>G, p.His139Arg (NM_130803.3, NM_130804.3, NM_000244.4 and 9 more transcripts); short protein forms H139R.
Identifiers: ClinVar variation 428056 (VCV000428056.10), dbSNP rs1114167515, ClinGen allele CA381186797.
Genomic context (GRCh38, chr11:64,809,694, plus strand): 5'-TGGATAAGATTCCCACCTACTGGGCTCCAACCTGTGATGAAGCTGAAGAGGGACTGGATG[T>C]GGGCCCGATCCTTGAAGTAGGAGCGGCTGAGGCTGTTCCATATGACATCGGAGACCTTCT-3'
Protein context (NP_001357188.2, residues 129-149): LSRSYFKDRA[His139Arg]IQSLFSFITG

ClinVar aggregate classification (germline): Pathogenic/Likely pathogenic. Review status: criteria provided, multiple submitters, no conflicts (2 of 4 stars). 2 submissions from 2 submitters: Pathogenic (1); Likely pathogenic (1). Last evaluated 2023-01-23.

Conditions:
Hereditary cancer-predisposing syndrome. Also called: Hereditary neoplastic syndrome; Tumor predisposition; Neoplastic Syndromes, Hereditary; Hereditary Cancer Syndrome. Identifiers: Orphanet 140162, MedGen C0027672, MeSH D009386, MONDO:0015356.
Multiple endocrine neoplasia, type 1 (MEN1). Also called: MEN I; Endocrine adenomatosis multiple; MEN 1; WERMER SYNDROME; MEA I. Identifiers: Orphanet 652, MedGen C0025267, MeSH D018761, MONDO:0007540, OMIM 131100.

Allele frequency attached by ClinVar (database versions not stated): TOPMed below 0.00001.

Submissions (2):

Ambry Genetics
Classification: Pathogenic for Hereditary cancer-predisposing syndrome. Last evaluated: 2023-01-23. Review status: criteria provided, single submitter. Criteria: Ambry Variant Classification Scheme 2023. Collection method: clinical testing. Allele origin: germline.
Comment: The p.H139R pathogenic mutation (also known as c.416A>G), located in coding exon 1 of the MEN1 gene, results from an A to G substitution at nucleotide position 416. The histidine at codon 139 is replaced by arginine, an amino acid with highly similar properties. This alteration has been reported in one Spanish family diagnosed with MEN1 (Mart&iacute;n-Campos JM et al. Diagn Mol Pathol. 1999 Dec;8(4):195-204). Additionally, this variant has been confirmed as a de novo alteration in one family (Ambry internal data). This amino acid position is highly conserved in available vertebrate species. In addition, this alteration is predicted to be deleterious by in silico analysis. This variant is considered to be rare based on population cohorts in the Genome Aggregation Database (gnomAD). Based on the supporting evidence, this alteration is interpreted as a disease-causing mutation.

Labcorp Genetics (formerly Invitae), Labcorp
Classification: Likely pathogenic for Multiple endocrine neoplasia, type 1. Last evaluated: 2023-01-20. Review status: criteria provided, single submitter. Criteria: Invitae Variant Classification Sherloc (09022015). Collection method: clinical testing. Allele origin: germline.
Comment: Advanced modeling of protein sequence and biophysical properties (such as structural, functional, and spatial information, amino acid conservation, physicochemical variation, residue mobility, and thermodynamic stability) performed at Invitae indicates that this missense variant is expected to disrupt MEN1 protein function. In summary, the currently available evidence indicates that the variant is pathogenic, but additional data are needed to prove that conclusively. Therefore, this variant has been classified as Likely Pathogenic. This variant disrupts the p.His139 amino acid residue in MEN1. Other variant(s) that disrupt this residue have been determined to be pathogenic (PMID: 12746426, 21917868, 30324798). This suggests that this residue is clinically significant, and that variants that disrupt this residue are likely to be disease-causing. ClinVar contains an entry for this variant (Variation ID: 428056). This missense change has been observed in individual(s) with clinical features of MEN1-related disease (PMID: 10617276, 30820182). This variant is not present in population databases (gnomAD no frequency). This sequence change replaces histidine, which is basic and polar, with arginine, which is basic and polar, at codon 139 of the MEN1 protein (p.His139Arg).

Literature cited by the submitters: PubMed 10617276 (cited by Ambry Genetics and Labcorp Genetics (formerly Invitae), Labcorp); PubMed 12746426 (cited by Labcorp Genetics (formerly Invitae), Labcorp); PubMed 21917868 (cited by Labcorp Genetics (formerly Invitae), Labcorp); PubMed 30324798 (cited by Labcorp Genetics (formerly Invitae), Labcorp); PubMed 30820182 (cited by Labcorp Genetics (formerly Invitae), Labcorp).